The following is an entry in ClinVar:

NM_004364.5(CEBPA):c.1035G>T (p.Leu345=)

Gene: CEBPA (CCAAT enhancer binding protein alpha; minus strand). Cytogenetic location: 19q13.11.
Variant type: single nucleotide variant.
Coding change: c.1035G>T on transcript NM_004364.5 (MANE Select); coding-DNA position 1035, G replaced by T.
Protein change: p.Leu345=; no amino-acid change (leucine 345 retained).
Molecular consequence: synonymous variant.
Genome position (GRCh38, 1-based): chr19:33,301,380, C>A on the plus strand (G>T on the coding strand, the complement: CEBPA is on the minus strand). VCF-style: chr19-33301380-C-A. GRCh37 (hg19) VCF-style: chr19-33792286-C-A.
Other names: c.678G>T, p.Leu226= (NM_001285829.2); c.1140G>T, p.Leu380= (NM_001287424.2); c.993G>T, p.Leu331= (NM_001287435.2).
Identifiers: ClinVar variation 2862743 (VCV002862743.3), dbSNP rs1181818523, ClinGen allele CA507006939.

ClinVar aggregate classification (germline): Uncertain significance (1 of 4 stars; one submission).

Conditions:
Acute myeloid leukemia (AML). Also called: Acute myeloid leukemia, adult; AML adult; Acute non-lymphocytic leukemia; Acute granulocytic leukemia; Leukemia, acute myeloid, somatic; Leukemia, acute myelogenous, somatic. Identifiers: Orphanet 519, MedGen C0023467, MeSH D015470, MONDO:0018874, OMIM 601626, HP:0004808. Disease mechanism: Constitutively activated FLT3.

gnomAD v4.1: 1 of 1,608,018 alleles (0.000062%); highest among the groups gnomAD compares: South Asian, 0.0011%; no homozygotes.

Submission:

Labcorp Genetics (formerly Invitae), Labcorp
Classification: Uncertain significance for Acute myeloid leukemia. Last evaluated: 2023-05-09. Review status: criteria provided, single submitter. Criteria: Invitae Variant Classification Sherloc (09022015). Collection method: clinical testing. Allele origin: germline.
Comment: This sequence change affects codon 345 of the CEBPA mRNA. It is a 'silent' change, meaning that it does not change the encoded amino acid sequence of the CEBPA protein. The frequency data for this variant in the population databases is considered unreliable, as metrics indicate poor data quality at this position in the gnomAD database. This variant has not been reported in the literature in individuals affected with CEBPA-related conditions. In summary, the available evidence is currently insufficient to determine the role of this variant in disease. Therefore, it has been classified as a Variant of Uncertain Significance.